The following is an entry in ClinVar:

ClinVar aggregate classification (germline): Uncertain significance (1 of 4 stars; one submission).

Conditions:
Alpha thalassemia-X-linked intellectual disability syndrome (ATRX). Also called: ATR-X syndrome; Alpha thalassemia mental retardation syndrome, nondeletion type, X-linked; XLMR hypotonic face syndrome; X-linked alpha-thalassemia-mental retardation syndrome; ALPHA-THALASSEMIA/IMPAIRED INTELLECTUAL DEVELOPMENT SYNDROME, X-LINKED; ALPHA-THALASSEMIA/MENTAL RETARDATION SYNDROME, X-LINKED. Identifiers: Orphanet 847, MedGen C1845055, MONDO:0010519, OMIM 301040.

Submission:

Labcorp Genetics (formerly Invitae), Labcorp
Classification: Uncertain significance for Alpha thalassemia-X-linked intellectual disability syndrome. Last evaluated: 2022-10-13. Review status: criteria provided, single submitter. Criteria: Invitae Variant Classification Sherloc (09022015). Collection method: clinical testing. Allele origin: germline.
Comment: This variant, c.2866_2868del, results in the deletion of 1 amino acid(s) of the ATRX protein (p.Lys956del), but otherwise preserves the integrity of the reading frame. This variant is not present in population databases (gnomAD no frequency). This variant has been observed in individual(s) with clinical features of ATRX-related conditions (PMID: 25644381). ClinVar contains an entry for this variant (Variation ID: 1415826). Experimental studies and prediction algorithms are not available or were not evaluated, and the functional significance of this variant is currently unknown. In summary, the available evidence is currently insufficient to determine the role of this variant in disease. Therefore, it has been classified as a Variant of Uncertain Significance.

Literature cited by the submitters: PubMed 25644381.

NM_000489.6(ATRX):c.2866_2868del (p.Lys956del)

Gene: ATRX (ATRX chromatin remodeler; minus strand). Cytogenetic location: Xq21.1.
Variant type: Deletion.
Coding change: c.2866_2868del on transcript NM_000489.6 (MANE Select); coding-DNA positions 2866 to 2868, 3 bases deleted (AAA; older notation c.2866_2868delAAA).
Protein change: p.Lys956del; deletes lysine 956.
Molecular consequence: inframe deletion.
Genome position (GRCh38, 1-based): chrX:77,682,388-77,682,390, TTT deleted on the plus strand (AAA on the coding strand, the reverse complement: ATRX is on the minus strand); deleting any 3 consecutive bases within chrX:77,682,388-77,682,393 gives the same sequence; the c. name uses the placement nearest the transcript's 3' end. VCF-style (leftmost placement, unchanged base first): chrX-77682387-CTTT-C. GRCh37 (hg19) VCF-style: chrX-76937879-CTTT-C.
Other names: c.2752_2754del, p.Lys918del (NM_138270.5); short protein forms K918del, K956del.
Identifiers: ClinVar variation 1415826 (VCV001415826.3), dbSNP rs782077612, ClinGen allele CA10458025.